The following is an entry in ClinVar:

ClinVar aggregate classification (germline): Uncertain significance (1 of 4 stars; one submission).

Conditions:
Congenital glucose-galactose malabsorption (GGM). Also called: MONOSACCHARIDE MALABSORPTION; DIARRHEA 16. Identifiers: Orphanet 35710, MedGen C0268186, MONDO:0011731, OMIM 606824.

Submission:

Labcorp Genetics (formerly Invitae), Labcorp
Classification: Uncertain significance for Congenital glucose-galactose malabsorption. Last evaluated: 2022-08-23. Review status: criteria provided, single submitter. Criteria: Invitae Variant Classification Sherloc (09022015). Collection method: clinical testing. Allele origin: germline.
Comment: In summary, the available evidence is currently insufficient to determine the role of this variant in disease. Therefore, it has been classified as a Variant of Uncertain Significance. Algorithms developed to predict the effect of missense changes on protein structure and function are either unavailable or do not agree on the potential impact of this missense change (SIFT: "Deleterious"; PolyPhen-2: "Benign"; Align-GVGD: "Class C0"). ClinVar contains an entry for this variant (Variation ID: 1490863). This variant has not been reported in the literature in individuals affected with SLC5A1-related conditions. This variant is not present in population databases (gnomAD no frequency). This sequence change replaces alanine, which is neutral and non-polar, with valine, which is neutral and non-polar, at codon 605 of the SLC5A1 protein (p.Ala605Val).

NM_000343.4(SLC5A1):c.1814C>T (p.Ala605Val)

Gene: SLC5A1 (solute carrier family 5 member 1; plus strand). Cytogenetic location: 22q12.3.
Variant type: single nucleotide variant.
Coding change: c.1814C>T on transcript NM_000343.4 (MANE Select); coding-DNA position 1814, C replaced by T.
Protein change: p.Ala605Val; replaces alanine 605 with valine.
Molecular consequence: missense variant.
Genome position (GRCh38, 1-based): chr22:32,110,032, C>T. VCF-style: chr22-32110032-C-T. GRCh37 (hg19) VCF-style: chr22-32506019-C-T.
Other names: c.1433C>T, p.Ala478Val (NM_001256314.2); short protein forms A605V, A478V.
Identifiers: ClinVar variation 1490863 (VCV001490863.6), dbSNP rs2094053423, ClinGen allele CA411315373.